The following is an entry in ClinVar:

ClinVar aggregate classification (germline): Pathogenic. Review status: criteria provided, multiple submitters, no conflicts (2 of 4 stars). 2 submissions from 2 submitters: Pathogenic (2). Last evaluated 2013-01-17.

Conditions:
Hereditary cancer-predisposing syndrome. Also called: Hereditary neoplastic syndrome; Tumor predisposition; Neoplastic Syndromes, Hereditary; Hereditary Cancer Syndrome. Identifiers: Orphanet 140162, MedGen C0027672, MeSH D009386, MONDO:0015356.
Peutz-Jeghers syndrome (PJS). Also called: Peutz-Jeghers polyposis; Periorificial lentiginosis syndrome; POLYPOSIS, HAMARTOMATOUS INTESTINAL; POLYPS-AND-SPOTS SYNDROME. Identifiers: Orphanet 2869, MedGen C0031269, MeSH D010580, MONDO:0008280, OMIM 175200.

Submissions (2):

Ambry Genetics
Classification: Pathogenic for Hereditary cancer-predisposing syndrome. Last evaluated: 2013-01-17. Review status: criteria provided, single submitter. Criteria: Ambry Autosomal Dominant and X-Linked criteria (10/2015). Collection method: clinical testing. Allele origin: germline. Observed: 1 variant allele.
Comment: This alteration is expected to result in loss of function by premature protein truncation or nonsense-mediatedâ€¯mRNAâ€¯decay.â€¯As such, this alteration is interpreted as a disease-causing mutation.

Juno Genomics, Hangzhou Juno Genomics, Inc
Classification: Pathogenic for Peutz-Jeghers syndrome. Review status: criteria provided, single submitter. Criteria: ACMG Guidelines, 2015. Collection method: clinical testing. Allele origin: germline. Affected: yes.
Comment: Absent from controls (or at extremely low frequency if recessive) in Genome Aggregation Database, Exome Sequencing Project, 1000 Genomes Project, or Exome Aggregation Consortium.;Null variant in a gene where loss of function (LOF) is a known mechanism of disease.;Patient's phenotype or family history is highly specific for a disease with a single genetic etiology.

NM_000455.5(STK11):c.446del (p.Pro149fs)

Gene: STK11 (serine/threonine kinase 11; plus strand). Cytogenetic location: 19p13.3.
Variant type: Deletion.
Coding change: c.446del on transcript NM_000455.5 (MANE Select); coding-DNA position 446, one base deleted (C; older notation c.446delC).
Protein change: p.Pro149fs; shifts the reading frame from proline 149.
Molecular consequence: frameshift variant.
Genome position (GRCh38, 1-based): chr19:1,219,395, C deleted; the last of 3 consecutive C bases (chr19:1,219,393-1,219,395); deleting any one gives the same sequence. VCF-style (leftmost placement, unchanged base first): chr19-1219392-TC-T. GRCh37 (hg19) VCF-style: chr19-1219391-TC-T.
Other names: c.446delC (NM_000455.4); short protein forms P149fs.
Identifiers: ClinVar variation 428762 (VCV000428762.5), dbSNP rs1131690926, ClinGen allele CA645369738.
Genomic context (GRCh38, chr19:1,219,392, plus strand): 5'-TGATGGAGTACTGCGTGTGTGGCATGCAGGAAATGCTGGACAGCGTGCCGGAGAAGCGTT[TC>T]CCAGTGTGCCAGGCCCACGGGTGCGTGCGCGGGGCAGGGGCCAGGGTGGGGCGGGGGCCG-3'